The following is an entry in ClinVar:

NM_013275.6(ANKRD11):c.5062G>A (p.Val1688Ile)

Gene: ANKRD11 (ankyrin repeat domain containing 11; minus strand). Cytogenetic location: 16q24.3.
Variant type: single nucleotide variant.
Coding change: c.5062G>A on transcript NM_013275.6 (MANE Select); coding-DNA position 5062, G replaced by A.
Protein change: p.Val1688Ile; replaces valine 1688 with isoleucine.
Molecular consequence: missense variant.
Genome position (GRCh38, 1-based): chr16:89,281,480, C>T on the plus strand (G>A on the coding strand, the complement: ANKRD11 is on the minus strand). VCF-style: chr16-89281480-C-T. GRCh37 (hg19) VCF-style: chr16-89347888-C-T.
Other names: c.5062G>A, p.Val1688Ile (NM_001256182.2, NM_001256183.2); short protein forms V1688I.
Identifiers: ClinVar variation 3364138 (VCV003364138.1).

ClinVar aggregate classification (germline): Uncertain significance (1 of 4 stars; one submission).

Submission:

GeneDx
Classification: Uncertain significance. Last evaluated: 2023-11-14. Review status: criteria provided, single submitter. Criteria: GeneDx Variant Classification Process June 2021. Collection method: clinical testing. Allele origin: germline. Affected: yes.
Comment: Not observed at significant frequency in large population cohorts (gnomAD); In silico analysis supports that this missense variant does not alter protein structure/function; Has not been previously published as pathogenic or benign to our knowledge